The following is an entry in ClinVar:

NM_152721.6(DOK6):c.67-22582_67-14452del

Gene: DOK6 (docking protein 6; plus strand). Cytogenetic location: 18q22.2.
Variant type: Deletion.
Coding change: c.67-22582_67-14452del on transcript NM_152721.6 (MANE Select); 22582 bases into the intron before coding-DNA position 67 through 14452 bases into the intron before coding-DNA position 67, 8,131 bases deleted.
Molecular consequence: intron variant.
Genome position (GRCh38, 1-based): chr18:69,541,905-69,550,035, 8,131 bases deleted. GRCh37 (hg19): chr18:67,209,141-67,217,271.
Identifiers: ClinVar variation 157423 (VCV000157423.2), ClinGen allele CA212470.

ClinVar aggregate classification (germline): not provided. Review status: no classification provided (0 of 4 stars). 4 submissions from 1 submitter: not provided (4).

Conditions:
Preeclampsia. Identifiers: Orphanet 275555, MedGen C0032914, MONDO:0005081, HP:0100602.
Small for gestational age. Also called: Low birth weight. Identifiers: MedGen C0235991, HP:0001518.
Normal pregnancy. Identifiers: MedGen C0232989.
Large for gestational age. Identifiers: MedGen C1848395, HP:0001520.

Submissions (4):

Institute of Molecular and Cell Biology, University of Tartu
No classification provided. Condition: Normal pregnancy. Review status: no classification provided. Collection method: case-control. Allele origin: unknown. Affected: yes. Study: Kasak2014.
Comment: The study aimed to determine the contribution of copy number variants in the genetic etiology of normal and complicated pregnancies. The samples represented (i) maternal blood DNA drawn from healthy pregnant women during 1st or 2nd trimester and (ii) maternal and paternal blood DNA drawn at term pregnancy cases representing normal and complicated gestations (severe preeclampsia, PE; gestational diabetes, GD; small-for-gestational age newborn, SGA; large-for-gestational age newborn, LGA). We performed CNV calling based on genome-wide genotyping dataset (Illumina HumanOmniExpress-24-v1 BeadChip) by applying three algorithms, QuantiSNP, GADA (Genome Alteration Detection Algorithm) and CNstream in parallel. The acquired CNV calls were merged with HD-CNV (Hotspot Detector for Copy Number Variants) program and only the CNVs predicted by at least two programs, were considered in subsequent analysis.

Institute of Molecular and Cell Biology, University of Tartu
No classification provided. Condition: Small for gestational age. Review status: no classification provided. Collection method: case-control. Allele origin: unknown. Affected: yes. Study: Kasak2014.
Comment: the same text as in the submission from Institute of Molecular and Cell Biology, University of Tartu above.

Institute of Molecular and Cell Biology, University of Tartu
No classification provided. Condition: Large for gestational age. Review status: no classification provided. Collection method: case-control. Allele origin: unknown. Affected: yes. Study: Kasak2014.
Comment: the same text as in the submission from Institute of Molecular and Cell Biology, University of Tartu above.

Institute of Molecular and Cell Biology, University of Tartu
No classification provided. Condition: Preeclampsia. Review status: no classification provided. Collection method: case-control. Allele origin: unknown. Affected: yes. Study: Kasak2014.
Comment: the same text as in the submission from Institute of Molecular and Cell Biology, University of Tartu above.

Literature cited by the submitters: PubMed 25666259.